The following is an entry in ClinVar:

ClinVar aggregate classification (germline): Pathogenic. Review status: criteria provided, multiple submitters, no conflicts (2 of 4 stars). 2 submissions from 2 submitters: Pathogenic (2). Last evaluated 2026-08-18.

Conditions:
Granulomatous disease, chronic, autosomal recessive, cytochrome b-negative. Also called: GRANULOMATOUS DISEASE, CHRONIC, AUTOSOMAL RECESSIVE, 4; Chronic granulomatous disease, autosomal, due to deficiency of CYBA; CGD DUE TO DEFICIENCY OF THE ALPHA SUBUNIT OF CYTOCHROME b; CGD, AUTOSOMAL RECESSIVE CYTOCHROME b-NEGATIVE; CYBA DEFICIENCY. Identifiers: Orphanet 379, MedGen C1856255, MONDO:0009308, OMIM 233690.

Submissions (2):

Myriad Genetics, Inc.
Classification: Pathogenic for Granulomatous disease, chronic, autosomal recessive, cytochrome b-negative. Last evaluated: 2026-08-18. Review status: criteria provided, single submitter. Criteria: Myriad Autosomal Dominant, Autosomal Recessive and X-Linked Classification Criteria (2023). Collection method: clinical testing. Allele origin: unknown.
Comment: NM_000101.3(CYBA):c.467delC(P156Rfs*35) is a frameshift variant classified as pathogenic in the context of chronic granulomatous disease, CYBA-related. P156Rfs*35 has not been observed in cases with relevant disease. Relevant functional assessments of this variant are not available in the literature. P156Rfs*35 has not been observed in referenced population frequency databases. In summary, NM_000101.3(CYBA):c.467delC(P156Rfs*35) is a frameshift variant in a gene where loss of function is a known mechanism of disease and is predicted to disrupt protein function. Please note: this variant was assessed in the context of healthy population screening.

Labcorp Genetics (formerly Invitae), Labcorp
Classification: Pathogenic for Granulomatous disease, chronic, autosomal recessive, cytochrome b-negative. Last evaluated: 2023-11-20. Review status: criteria provided, single submitter. Criteria: Invitae Variant Classification Sherloc (09022015). Collection method: clinical testing. Allele origin: germline.
Comment: This sequence change creates a premature translational stop signal (p.Pro156Argfs*35) in the CYBA gene. While this is not anticipated to result in nonsense mediated decay, it is expected to disrupt the last 40 amino acid(s) of the CYBA protein. This variant is not present in population databases (gnomAD no frequency). This variant has not been reported in the literature in individuals affected with CYBA-related conditions. Experimental studies and prediction algorithms are not available or were not evaluated, and the functional significance of this variant is currently unknown. This variant disrupts a region of the CYBA protein in which other variant(s) (p.Pro160Alafs*27) have been determined to be pathogenic (PMID: 20167518, 34547651). This suggests that this is a clinically significant region of the protein, and that variants that disrupt it are likely to be disease-causing. For these reasons, this variant has been classified as Pathogenic.

Literature cited by the submitters: PubMed 20167518 (cited by Labcorp Genetics (formerly Invitae), Labcorp); PubMed 34547651 (cited by Labcorp Genetics (formerly Invitae), Labcorp).

NM_000101.4(CYBA):c.467del (p.Pro156fs)

Gene: CYBA (cytochrome b-245 alpha chain; minus strand). Cytogenetic location: 16q24.2.
Variant type: Deletion.
Coding change: c.467del on transcript NM_000101.4 (MANE Select); coding-DNA position 467, one base deleted (C; older notation c.467delC).
Protein change: p.Pro156fs; shifts the reading frame from proline 156.
Molecular consequence: frameshift variant.
Genome position (GRCh38, 1-based): chr16:88,643,474, G deleted on the plus strand (C on the coding strand, the reverse complement: CYBA is on the minus strand); the first of 6 consecutive G bases (chr16:88,643,474-88,643,479); deleting any one gives the same sequence. VCF-style (leftmost placement, unchanged base first): chr16-88643473-CG-C. GRCh37 (hg19) VCF-style: chr16-88709881-CG-C.
Other names: short protein forms P156fs.
Identifiers: ClinVar variation 2968090 (VCV002968090.4), dbSNP rs2507521330, ClinGen allele CA2634848278.